The following is an entry in ClinVar:

NM_014476.6(PDLIM3):c.23C>T (p.Pro8Leu)

Gene: PDLIM3 (PDZ and LIM domain 3; minus strand). Cytogenetic location: 4q35.1.
Variant type: single nucleotide variant.
Coding change: c.23C>T on transcript NM_014476.6 (MANE Select); coding-DNA position 23, C replaced by T.
Protein change: p.Pro8Leu; replaces proline 8 with leucine.
Molecular consequence: missense variant. On other transcripts: non-coding transcript variant (1).
Genome position (GRCh38, 1-based): chr4:185,535,412, G>A on the plus strand (C>T on the coding strand, the complement: PDLIM3 is on the minus strand). VCF-style: chr4-185535412-G-A. GRCh37 (hg19) VCF-style: chr4-186456566-G-A.
Other names: c.23C>T, p.Pro8Leu (NM_001114107.5, NM_001257962.2, NM_001257963.2); short protein forms P8L.
Identifiers: ClinVar variation 1965488 (VCV001965488.5), dbSNP rs572128606, ClinGen allele CA3159931.
Genomic context (GRCh38, chr4:185,535,412, plus strand): 5'-ACCAAAGGCTGGTTGAAGTCTATGCCCCCTGAGAGCCTGAAGCCCCAGGGCGCAGGGCCC[G>A]GGAGGATCACCGTCTGGGGCATGCCGCCTTCCTCCCGCCCACCGGGCTCTAAGTGTCCCC-3'
Protein context (NP_055291.2, residues 1-18): MPQTVIL[Pro8Leu]GPAPWGFRLS

ClinVar aggregate classification (germline): Uncertain significance (1 of 4 stars; one submission).

Conditions:
Primary dilated cardiomyopathy (DCM). Also called: Dilated Cardiomyopathy. Identifiers: Orphanet 217604, MedGen C0007193, MeSH D002311, MONDO:0005021, HP:0001644. Inheritance: Various modes of inheritance.
Hypertrophic cardiomyopathy. Also called: HYPERTROPHIC MYOCARDIOPATHY. Identifiers: Orphanet 217569, MedGen C0007194, MeSH D002312, MONDO:0005045, HP:0001639.

gnomAD v4.1: 6 of 1,603,676 alleles (0.00037%); highest among the groups gnomAD compares: Non-Finnish European, 0.00043%; no homozygotes.

Submission:

Labcorp Genetics (formerly Invitae), Labcorp
Classification: Uncertain significance for Hypertrophic cardiomyopathy; Primary dilated cardiomyopathy. Last evaluated: 2022-02-09. Review status: criteria provided, single submitter. Criteria: Invitae Variant Classification Sherloc (09022015). Collection method: clinical testing. Allele origin: germline.
Comment: In summary, the available evidence is currently insufficient to determine the role of this variant in disease. Therefore, it has been classified as a Variant of Uncertain Significance. Algorithms developed to predict the effect of missense changes on protein structure and function are either unavailable or do not agree on the potential impact of this missense change (SIFT: "Deleterious"; PolyPhen-2: "Benign"; Align-GVGD: "Class C65"). This variant has not been reported in the literature in individuals affected with PDLIM3-related conditions. The frequency data for this variant in the population databases is considered unreliable, as metrics indicate poor data quality at this position in the gnomAD database. This sequence change replaces proline, which is neutral and non-polar, with leucine, which is neutral and non-polar, at codon 8 of the PDLIM3 protein (p.Pro8Leu).